The following is an entry in ClinVar:

NM_001329943.3(KIAA0586):c.768G>T (p.Arg256Ser)

Gene: KIAA0586 (KIAA0586; plus strand). Cytogenetic location: 14q23.1.
Variant type: single nucleotide variant.
Coding change: c.768G>T on transcript NM_001329943.3 (MANE Select); coding-DNA position 768, G replaced by T.
Protein change: p.Arg256Ser; replaces arginine 256 with serine.
Molecular consequence: missense variant.
Genome position (GRCh38, 1-based): chr14:58,444,136, G>T. VCF-style: chr14-58444136-G-T. GRCh37 (hg19) VCF-style: chr14-58910854-G-T.
Other names: c.927G>T, p.Arg309Ser (NM_001244189.2); c.723G>T, p.Arg241Ser (NM_001244190.2); c.513G>T, p.Arg171Ser (NM_001244191.2, NM_001329945.2, NM_001364700.1 and 1 more transcripts); c.636G>T, p.Arg212Ser (NM_001244192.2); c.348G>T, p.Arg116Ser (NM_001244193.2); c.768G>T, p.Arg256Ser (NM_001329944.2, NM_001329946.2, NM_001329947.2 and 1 more transcripts); c.768G>T (NM_014749.3); short protein forms R116S, R309S, R171S, R212S, R241S, R256S.
Identifiers: ClinVar variation 2197526 (VCV002197526.4), dbSNP rs757161449, ClinGen allele CA389862929.

ClinVar aggregate classification (germline): Uncertain significance. Review status: criteria provided, multiple submitters, no conflicts (2 of 4 stars). 2 submissions from 2 submitters: Uncertain significance (2). Last evaluated 2022-08-09.

Conditions:
Inborn genetic diseases. Identifiers: MedGen C0950123, MeSH D030342.
Joubert syndrome 23 (JBTS23). Identifiers: Orphanet 475, MedGen C4084822, MONDO:0014664, OMIM 616490.
Short-rib thoracic dysplasia 14 with polydactyly (SRTD14). Identifiers: Orphanet 397715, MedGen C4225286, MONDO:0014688, OMIM 616546.

gnomAD v4.1: 16 of 1,613,172 alleles (0.00099%); highest among the groups gnomAD compares: Non-Finnish European, 0.001%; no homozygotes.

Submissions (2):

Labcorp Genetics (formerly Invitae), Labcorp
Classification: Uncertain significance for Joubert syndrome 23; Short-rib thoracic dysplasia 14 with polydactyly. Last evaluated: 2022-08-09. Review status: criteria provided, single submitter. Criteria: Invitae Variant Classification Sherloc (09022015). Collection method: clinical testing. Allele origin: germline.
Comment: This variant is not present in population databases (gnomAD no frequency). This variant has not been reported in the literature in individuals affected with KIAA0586-related conditions. Algorithms developed to predict the effect of missense changes on protein structure and function are either unavailable or do not agree on the potential impact of this missense change (SIFT: "Deleterious"; PolyPhen-2: "Possibly Damaging"; Align-GVGD: "Class C0"). In summary, the available evidence is currently insufficient to determine the role of this variant in disease. Therefore, it has been classified as a Variant of Uncertain Significance. This sequence change replaces arginine, which is basic and polar, with serine, which is neutral and polar, at codon 309 of the KIAA0586 protein (p.Arg309Ser).

Ambry Genetics
Classification: Uncertain significance for Inborn genetic diseases. Last evaluated: 2022-08-01. Review status: criteria provided, single submitter. Criteria: Ambry Variant Classification Scheme 2023. Collection method: clinical testing. Allele origin: germline.